The following is an entry in ClinVar:

NM_005751.5(AKAP9):c.9737A>T (p.Lys3246Met)

Gene: AKAP9 (A-kinase anchoring protein 9; plus strand). Cytogenetic location: 7q21.2.
Variant type: single nucleotide variant.
Coding change: c.9737A>T on transcript NM_005751.5 (MANE Select); coding-DNA position 9737, A replaced by T.
Protein change: p.Lys3246Met; replaces lysine 3246 with methionine.
Molecular consequence: missense variant.
Genome position (GRCh38, 1-based): chr7:92,096,696, A>T. VCF-style: chr7-92096696-A-T. GRCh37 (hg19) VCF-style: chr7-91726010-A-T.
Other names: c.4382A>T, p.Lys1461Met (NM_001379277.1); c.9713A>T, p.Lys3238Met (NM_147185.3); short protein forms K3246M, K3238M, K1461M.
Identifiers: ClinVar variation 4265011 (VCV004265011.1).

ClinVar aggregate classification (germline): Uncertain significance (1 of 4 stars; one submission).

Conditions:
Cardiovascular phenotype. Identifiers: MedGen CN230736.

Submission:

Ambry Genetics
Classification: Uncertain significance for Cardiovascular phenotype. Last evaluated: 2025-07-06. Review status: criteria provided, single submitter. Criteria: Ambry Variant Classification Scheme 2023. Collection method: clinical testing. Allele origin: germline.
Comment: The p.K3246M variant (also known as c.9737A>T), located in coding exon 41 of the AKAP9 gene, results from an A to T substitution at nucleotide position 9737. The lysine at codon 3246 is replaced by methionine, an amino acid with similar properties. This amino acid position is conserved. In addition, this alteration is predicted to be tolerated by in silico analysis. Based on the available evidence, the clinical significance of this variant remains unclear.